The following is an entry in ClinVar:

NM_006269.2(RP1):c.1366A>G (p.Arg456Gly)

Gene: RP1 (RP1 axonemal microtubule associated; plus strand). Cytogenetic location: 8q12.1.
Variant type: single nucleotide variant.
Coding change: c.1366A>G on transcript NM_006269.2 (MANE Select); coding-DNA position 1366, A replaced by G.
Protein change: p.Arg456Gly; replaces arginine 456 with glycine.
Molecular consequence: missense variant. On other transcripts: intron variant (1).
Genome position (GRCh38, 1-based): chr8:54,625,248, A>G. VCF-style: chr8-54625248-A-G. GRCh37 (hg19) VCF-style: chr8-55537808-A-G.
Other names: c.787+2960A>G (NM_001375654.1); short protein forms R456G.
Identifiers: ClinVar variation 4715687 (VCV004715687.1).
Genomic context (GRCh38, chr8:54,625,248, plus strand): 5'-CAGGGAACTCAAGACCAAGCAAAGCATCGTTTTTATAGGCCCCCTACACCTGGACTAAGA[A>G]GAGTGAGACAAAAGAAATCTGTGATTGGCAGTGTGACCTTAGTATCTGAAACTGAGGTTC-3'
Protein context (NP_006260.1, residues 446-466): FYRPPTPGLR[Arg456Gly]VRQKKSVIGS

ClinVar aggregate classification (germline): Uncertain significance (1 of 4 stars; one submission).

Submission:

Labcorp Genetics (formerly Invitae), Labcorp
Classification: Uncertain significance. Last evaluated: 2025-03-22. Review status: criteria provided, single submitter. Criteria: Invitae Variant Classification Sherloc (09022015). Collection method: clinical testing. Allele origin: germline.
Comment: This sequence change replaces arginine, which is basic and polar, with glycine, which is neutral and non-polar, at codon 456 of the RP1 protein (p.Arg456Gly). This variant is not present in population databases (gnomAD no frequency). This variant has not been reported in the literature in individuals affected with RP1-related conditions. An algorithm developed to predict the effect of missense changes on protein structure and function (PolyPhen-2) suggests that this variant is likely to be tolerated. In summary, the available evidence is currently insufficient to determine the role of this variant in disease. Therefore, it has been classified as a Variant of Uncertain Significance.